The following is an entry in ClinVar:

ClinVar aggregate classification (germline): Conflicting classifications of pathogenicity. Review status: criteria provided, conflicting classifications (1 of 4 stars). 7 submissions from 7 submitters: Pathogenic (1); Likely pathogenic (1); Uncertain significance (5). Last evaluated 2026-02-18.

Conditions:
Mucopolysaccharidosis, MPS-II (MPS2). Also called: Attenuated MPS (subtype; formerly known as mild MPS II); Severe MPS II; I2S deficiency; MPS 2; Hunter Syndrome; IDURONATE 2-SULFATASE DEFICIENCY. Identifiers: Orphanet 580, Orphanet 79388, MedGen C0026705, MONDO:0010674, OMIM 309900.

Allele frequency attached by ClinVar (database versions not stated): gnomAD exomes below 0.00001.

Submissions (7):

Myriad Genetics, Inc.
Classification: Uncertain significance for Mucopolysaccharidosis, MPS-II. Last evaluated: 2026-02-18. Review status: criteria provided, single submitter. Criteria: Myriad Autosomal Dominant, Autosomal Recessive and X-Linked Classification Criteria (2023). Collection method: clinical testing. Allele origin: unknown.
Comment: NM_000202.5(IDS):c.469C>T(P157S) is a missense variant classified as a variant of uncertain significance in the context of mucopolysaccharidosis type II. P157S has been observed in a case with relevant disease (PMID: 27896113). Relevant functional assessments of this variant are not available in the literature. P157S has not been observed in referenced population frequency databases. In summary, there is insufficient evidence to classify NM_000202.5(IDS):c.469C>T(P157S) as pathogenic or benign. Please note: this variant was assessed in the context of healthy population screening.

Labcorp Genetics (formerly Invitae), Labcorp
Classification: Uncertain significance for Mucopolysaccharidosis, MPS-II. Last evaluated: 2025-04-28. Review status: criteria provided, single submitter. Criteria: Invitae Variant Classification Sherloc (09022015). Collection method: clinical testing. Allele origin: germline.
Comment: This sequence change replaces proline, which is neutral and non-polar, with serine, which is neutral and polar, at codon 157 of the IDS protein (p.Pro157Ser). This variant is not present in population databases (gnomAD no frequency). This missense change has been observed in individual(s) with Hunter syndrome (PMID: 27896113). ClinVar contains an entry for this variant (Variation ID: 221209). Invitae Evidence Modeling of protein sequence and biophysical properties (such as structural, functional, and spatial information, amino acid conservation, physicochemical variation, residue mobility, and thermodynamic stability) has been performed for this missense variant. However, the output from this modeling did not meet the statistical confidence thresholds required to predict the impact of this variant on IDS protein function. In summary, the available evidence is currently insufficient to determine the role of this variant in disease. Therefore, it has been classified as a Variant of Uncertain Significance.

Dasa
Classification: Uncertain significance. Last evaluated: 2025-01-22. Review status: criteria provided, single submitter. Criteria: DASA Assertion Criteria. Collection method: clinical testing. Allele origin: germline.
Comment: NM_000202.8(IDS):c.469C>T (p.Pro157Ser) is a missense variant that results in the substitution of proline with serine. This variant is rare in population databases. Computational prediction algorithms are consistent with a deleterious effect. The currently available literature and clinical evidence are not sufficient to establish a definitive association between this variant and the reported condition. Therefore, this variant is classified as a variant of uncertain significance.

Laboratory of Diagnosis and Therapy of Lysosomal Disorders, University of Padova
Classification: Likely pathogenic for Mucopolysaccharidosis, MPS-II. Last evaluated: 2024-06-07. Review status: criteria provided, single submitter. Criteria: ACMG Guidelines, 2015. Collection method: literature only. Allele origin: germline. Affected: yes. Observed: 1 variant allele.
Comment: Prevalence of the variant significantly increased in affected individuals compared with controls (PS4_Moderate), Absent from controls (or at low frequency) in gnomAD database (PM2_Moderate), Missense variant in a gene with a low rate of benign missense variation (PP2_Supporting), Multiple lines of computational evidence support a deleterious effect (PP3_Supporting), Patient’s phenotype or family history highly specific for the disease (PP4_Moderate)

Classification method: ACMG Guidelines [PMID:25741868] with modifications

3billion
Classification: Uncertain significance for Mucopolysaccharidosis, MPS-II. Last evaluated: 2023-11-15. Review status: criteria provided, single submitter. Criteria: ACMG Guidelines, 2015. Collection method: clinical testing. Allele origin: germline. Affected: yes.
Comment: The variant is not observed in the gnomAD v2.1.1 dataset. Predicted Consequence/Location: Missense variant In silico tool predictions suggest damaging effect of the variant on gene or gene product [REVEL: 0.77 (>=0.6, sensitivity 0.68 and specificity 0.92)]. Same nucleotide change resulting in same amino acid change (PMID: 27896113) and a different missense change at the same codon (p.Pro157His / PMID: 35571021) have been previously reported to be associated with IDS related disorder. However the evidence of pathogenicity is insufficient at this time. Therefore, this variant is classified as VUS according to the recommendation of ACMG/AMP guideline.

Mendelics
Classification: Uncertain significance. Last evaluated: 2022-05-04. Review status: criteria provided, single submitter. Criteria: Mendelics Assertion Criteria 2019. Collection method: clinical testing. Allele origin: germline.

IIFP, CONICET-UNLP
Classification: Pathogenic for Mucopolysaccharidosis, MPS-II. Last evaluated: 2013-06-24. Review status: criteria provided, single submitter. Criteria: ACMG Guidelines, 2007. Collection method: research. Allele origin: maternal. Inheritance: X-linked inheritance. Affected: yes. Observed: 1 variant allele.

Literature cited by the submitters: PubMed 27896113 (cited by 4 submitters); PubMed 35571021 (cited by 3billion); DOI 10.1016/j.ymgmr.2014.08.006 (cited by IIFP, CONICET-UNLP).

NM_000202.8(IDS):c.469C>T (p.Pro157Ser)

Genes: IDS (iduronate 2-sulfatase; minus strand), LOC106050102 (IDS recombination region; plus strand). Cytogenetic location: Xq28.
Variant type: single nucleotide variant.
Coding change: c.469C>T on transcript NM_000202.8 (MANE Select); coding-DNA position 469, C replaced by T.
Protein change: p.Pro157Ser; replaces proline 157 with serine.
Molecular consequence: missense variant. On other transcripts: non-coding transcript variant (1).
Genome position (GRCh38, 1-based): chrX:149,500,987, G>A on the plus strand (C>T on the coding strand, the complement: IDS is on the minus strand). VCF-style: chrX-149500987-G-A. GRCh37 (hg19) VCF-style: chrX-148582518-G-A.
Other names: c.199C>T, p.Pro67Ser (NM_001166550.4); c.469C>T, p.Pro157Ser (NM_006123.5); short protein forms P157S, P67S.
Identifiers: ClinVar variation 221209 (VCV000221209.14), dbSNP rs864622774, ClinGen allele CA349962.